The following is an entry in ClinVar:

ClinVar aggregate classification (germline): Conflicting classifications of pathogenicity. Review status: criteria provided, conflicting classifications (1 of 4 stars). 19 submissions from 15 submitters: Uncertain significance (5); Benign (7); Likely benign (6). 1 of the submissions does not count toward it. Last evaluated 2026-09-01.

Conditions:
TTN-related disorder. Also called: TTN-related disorders; TTN-related condition; TTN-related disease.
Cardiovascular phenotype. Identifiers: MedGen CN230736.
Autosomal recessive limb-girdle muscular dystrophy type 2J (LGMDR10). Also called: MUSCULAR DYSTROPHY, LIMB-GIRDLE, AUTOSOMAL RECESSIVE 10; Limb-girdle muscular dystrophy, type 2J. Identifiers: Orphanet 140922, MedGen C1837342, MONDO:0012127, OMIM 608807.
Dilated cardiomyopathy 1G (CMD1G). Identifiers: Orphanet 154, MedGen C1858763, MONDO:0011400, OMIM 604145.
Cardiomyopathy (CMYO). Also called: Cardiomyopathies. Identifiers: Orphanet 167848, MedGen C0878544, MONDO:0004994, HP:0001638. Inheritance: Various modes of inheritance.
Early-onset myopathy with fatal cardiomyopathy (CMYO5). Also called: CONGENITAL MYOPATHY 5 WITH CARDIOMYOPATHY; Salih Myopathy. Identifiers: Orphanet 289377, MedGen C2673677, MONDO:0012714, OMIM 611705. Disease mechanism: loss of function.
Myopathy, myofibrillar, 9, with early respiratory failure (MFM9). Also called: Myopathy, distal, with early respiratory failure, autosomal dominant; Hereditary myopathy with early respiratory failure; EDSTROM MYOPATHY; MYOPATHY, PROXIMAL, WITH EARLY RESPIRATORY MUSCLE INVOLVEMENT. Identifiers: Orphanet 178464, Orphanet 34521, MedGen C1863599, MONDO:0011362, OMIM 603689.
Tibial muscular dystrophy (TMD). Also called: Tibial muscular dystrophy, tardive; Udd Distal Myopathy – Tibial Muscular Dystrophy; UDD MYOPATHY. Identifiers: Orphanet 609, MedGen C1838244, MONDO:0010870, OMIM 600334.

Allele frequency attached by ClinVar (database versions not stated): ESP Exome Variant Server 0.00083; TOPMed 0.00100; gnomAD exomes 0.00053 and 0.00102; gnomAD 0.00076 and 0.00079; ExAC 0.00087; 1000 Genomes Project 0.00120; 1000 Genomes Project 30x 0.00141.
gnomAD v4.1: 967 of 1,612,364 alleles (0.06%); highest among the groups gnomAD compares: Middle Eastern, 0.36%; 5 homozygotes.

Submissions (19):

CeGaT Center for Human Genetics Tuebingen
Classification: Benign. Last evaluated: 2026-09-01. Review status: criteria provided, single submitter. Criteria: CeGaT Center For Human Genetics Tuebingen Variant Classification Criteria Version 2. Collection method: clinical testing. Allele origin: germline. Affected: yes. Observed: 46 variant alleles.
Comment: TTN: BS1, BS2

Labcorp Genetics (formerly Invitae), Labcorp
Classification: Likely benign for Dilated cardiomyopathy 1G; Autosomal recessive limb-girdle muscular dystrophy type 2J. Last evaluated: 2026-02-03. Review status: criteria provided, single submitter. Criteria: Invitae Variant Classification Sherloc (09022015). Collection method: clinical testing. Allele origin: germline.

Molecular Diagnostic Laboratory for Inherited Cardiovascular Disease, Montreal Heart Institute
Classification: Likely benign. Last evaluated: 2025-04-09. Review status: criteria provided, single submitter. Criteria: ACMG Guidelines, 2015. Collection method: clinical testing. Allele origin: germline. Affected: no.

Blueprint Genetics
Classification: Likely benign. Last evaluated: 2024-11-22. Review status: criteria provided, single submitter. Criteria: ACMG Guidelines, 2015. Collection method: clinical testing. Allele origin: germline.

GeneDx
Classification: Likely benign. Last evaluated: 2020-12-04. Review status: criteria provided, single submitter. Criteria: GeneDx Variant Classification Process June 2021. Collection method: clinical testing. Allele origin: germline. Affected: yes.

Women's Health and Genetics/Laboratory Corporation of America, LabCorp
Classification: Likely benign. Last evaluated: 2020-03-10. Review status: criteria provided, single submitter. Criteria: LabCorp Variant Classification Summary - May 2015. Collection method: clinical testing. Allele origin: germline.
Comment: Variant summary: TTN c.57755C>T (p.Thr19252Ile) results in a non-conservative amino acid change located in the A- band region of the encoded protein sequence. Three of five in-silico tools predict a benign effect of the variant on protein function. The variant allele was found at a frequency of 0.001 in 246992 control chromosomes in the gnomAD database, including 1 homozygote. The observed variant frequency is approximately 1.6- fold the estimated maximal expected allele frequency for a pathogenic variant in TTN causing Cardiomyopathy phenotype (0.00063), strongly suggesting that the variant is benign. To our knowledge, no occurrence of c.57755C>T in individuals affected with Cardiomyopathy and no experimental evidence demonstrating its impact on protein function have been reported. Nine clinical diagnostic laboratories have submitted clinical-significance assessments for this variant to ClinVar after 2014 without evidence for independent evaluation. They cited the variant as benign (n=3), likely benign (n=2), and uncertain significance (n=4). Based on the evidence outlined above, the variant was classified as likely benign.

CHEO Genetics Diagnostic Laboratory, Children's Hospital of Eastern Ontario
Classification: Benign for Cardiomyopathy. Last evaluated: 2019-03-13. Review status: criteria provided, single submitter. Criteria: ACMG Guidelines, 2015. Collection method: clinical testing. Allele origin: germline.

Illumina Laboratory Services, Illumina
Classification: Benign for Myopathy, myofibrillar, 9, with early respiratory failure. Last evaluated: 2018-01-13. Review status: criteria provided, single submitter. Criteria: ICSL Variant Classification Criteria 13 December 2019. Collection method: clinical testing. Allele origin: germline.
Comment: This variant was observed in the ICSL laboratory as part of a predisposition screen in an ostensibly healthy population. It had not been previously curated by ICSL or reported in the Human Gene Mutation Database (HGMD: prior to June 1st, 2018), and was therefore a candidate for classification through an automated scoring system. Utilizing variant allele frequency, disease prevalence and penetrance estimates, and inheritance mode, an automated score was calculated to assess if this variant is too frequent to cause the disease. Based on the score and internal cut-off values, a variant classified as benign is not then subjected to further curation. The score for this variant resulted in a classification of benign for this disease.

Illumina Laboratory Services, Illumina
Classification: Uncertain significance for Autosomal recessive limb-girdle muscular dystrophy type 2J. Last evaluated: 2018-01-13. Review status: criteria provided, single submitter. Criteria: ICSL Variant Classification Criteria 13 December 2019. Collection method: clinical testing. Allele origin: germline.

Illumina Laboratory Services, Illumina
Classification: Benign for Tibial muscular dystrophy. Last evaluated: 2018-01-13. Review status: criteria provided, single submitter. Criteria: ICSL Variant Classification Criteria 13 December 2019. Collection method: clinical testing. Allele origin: germline.
Comment: the same text as in the submission from Illumina Laboratory Services, Illumina above.

Illumina Laboratory Services, Illumina
Classification: Uncertain significance for Dilated cardiomyopathy 1G. Last evaluated: 2018-01-13. Review status: criteria provided, single submitter. Criteria: ICSL Variant Classification Criteria 13 December 2019. Collection method: clinical testing. Allele origin: germline.

Illumina Laboratory Services, Illumina
Classification: Uncertain significance for Early-onset myopathy with fatal cardiomyopathy. Last evaluated: 2018-01-13. Review status: criteria provided, single submitter. Criteria: ICSL Variant Classification Criteria 13 December 2019. Collection method: clinical testing. Allele origin: germline.

Laboratory for Molecular Medicine, Mass General Brigham Personalized Medicine
Classification: Benign. Last evaluated: 2017-12-08. Review status: criteria provided, single submitter. Criteria: LMM Criteria. Collection method: clinical testing. Allele origin: germline. Observed: 4 variant alleles.
Comment: This variant is not expected to have clinical significance because it has been i dentified in 1.7% (178/10074) of Ashkenazi Jewish chromosomes by the Genome Aggr egation Database (gnomAD; dbSNP rs56130023). B A1

Athena Diagnostics
Classification: Benign. Last evaluated: 2017-03-15. Review status: criteria provided, single submitter. Criteria: Athena Diagnostics Criteria. Collection method: clinical testing. Allele origin: germline.

Ambry Genetics
Classification: Benign for Cardiovascular phenotype. Last evaluated: 2016-12-06. Review status: criteria provided, single submitter. Criteria: Ambry Variant Classification Scheme 2023. Collection method: clinical testing. Allele origin: germline.

Genetic Services Laboratory, University of Chicago
Classification: Uncertain significance. Last evaluated: 2016-09-02. Review status: criteria provided, single submitter. Criteria: ACMG Guidelines, 2015. Collection method: clinical testing. Allele origin: germline. Affected: no.

Eurofins Ntd Llc (ga)
Classification: Uncertain significance. Last evaluated: 2015-07-22. Review status: criteria provided, single submitter. Criteria: EGL Classification Definitions 2015. Collection method: clinical testing. Allele origin: germline. Observed: 6 variant alleles, 6 heterozygotes.

Biesecker Lab/Clinical Genomics Section, National Institutes of Health
Classification: Likely benign. Last evaluated: 2013-06-24. Review status: criteria provided, single submitter. Criteria: Ng et al. (Circ Cardiovasc Genet. 2013). Collection method: research. Allele origin: unknown. Observed: 3 variant alleles. Study: ClinSeq.
Comment: The study set was not selected for affection status in relation to any cancer. Pathogenicity categories were based on literature curation. See Pubmed ID:23861362 for details.

Medical sequencing

PreventionGenetics, part of Exact Sciences
Classification: Benign for TTN-related condition. Last evaluated: 2019-05-16. Review status: no assertion criteria provided. Collection method: clinical testing. Allele origin: germline. Not counted in ClinVar's aggregate classification.
Comment: This variant is classified as benign based on ACMG/AMP sequence variant interpretation guidelines (Richards et al. 2015 PMID: 25741868, with internal and published modifications).

NM_001267550.2(TTN):c.65459C>T (p.Thr21820Ile)

Genes: TTN (titin; minus strand), TTN-AS1 (TTN antisense RNA 1; plus strand). Cytogenetic location: 2q31.2.
Variant type: single nucleotide variant.
Coding change: c.65459C>T on transcript NM_001267550.2 (MANE Select); coding-DNA position 65459, C replaced by T.
Protein change: p.Thr21820Ile; replaces threonine 21820 with isoleucine.
Molecular consequence: missense variant. On other transcripts: non-coding transcript variant (1).
Genome position (GRCh38, 1-based): chr2:178,583,723, G>A on the plus strand (C>T on the coding strand, the complement: TTN is on the minus strand). VCF-style: chr2-178583723-G-A. GRCh37 (hg19) VCF-style: chr2-179448450-G-A.
Other names: p.T20179I:ACA>ATA; c.60536C>T, p.Thr20179Ile (NM_001256850.1); c.38264C>T, p.Thr12755Ile (NM_003319.4); c.57755C>T, p.Thr19252Ile (NM_133378.4); c.38639C>T, p.Thr12880Ile (NM_133432.3); c.38840C>T, p.Thr12947Ile (NM_133437.4); short protein forms T21820I, T19252I, T20179I, T12755I, T12880I, T12947I.
Identifiers: ClinVar variation 47222 (VCV000047222.78), dbSNP rs56130023, ClinGen allele CA140385.